The following is an entry in ClinVar:

ClinVar aggregate classification (germline): Uncertain significance. Review status: criteria provided, multiple submitters, no conflicts (2 of 4 stars). 4 submissions from 4 submitters: Uncertain significance (4). Last evaluated 2025-10-06.

Conditions:
Hereditary cancer-predisposing syndrome. Also called: Tumor predisposition; Hereditary neoplastic syndrome; Neoplastic Syndromes, Hereditary; Hereditary Cancer Syndrome. Identifiers: Orphanet 140162, MedGen C0027672, MeSH D009386, MONDO:0015356.
Microcephaly, normal intelligence and immunodeficiency (NBS). Also called: Nijmegen breakage syndrome; Microcephaly with normal intelligence immunodeficiency and lymphoreticular malignancies; Nonsyndromal microcephaly autosomal recessive with normal intelligence; Seemanova syndrome 2; Ataxia telangiectasia variant V1; SEEMANOVA SYNDROME II. Identifiers: Orphanet 647, MedGen C0398791, MONDO:0009623, OMIM 251260.
Malignant tumor of breast. Also called: Malignant breast neoplasm; Cancer breast. Identifiers: MedGen C0006142, MONDO:0007254. Disease mechanism: loss of function.

Submissions (4):

Labcorp Genetics (formerly Invitae), Labcorp
Classification: Uncertain significance for Microcephaly, normal intelligence and immunodeficiency. Last evaluated: 2025-10-06. Review status: criteria provided, single submitter. Criteria: Invitae Variant Classification Sherloc (09022015). Collection method: clinical testing. Allele origin: germline.
Comment: This sequence change replaces methionine, which is neutral and non-polar, with threonine, which is neutral and polar, at codon 649 of the NBN protein (p.Met649Thr). This variant is not present in population databases (gnomAD no frequency). This variant has not been reported in the literature in individuals affected with NBN-related conditions. ClinVar contains an entry for this variant (Variation ID: 496667). An algorithm developed to predict the effect of missense changes on protein structure and function (PolyPhen-2) suggests that this variant is likely to be tolerated. In summary, the available evidence is currently insufficient to determine the role of this variant in disease. Therefore, it has been classified as a Variant of Uncertain Significance.

Ambry Genetics
Classification: Uncertain significance for Hereditary cancer-predisposing syndrome. Last evaluated: 2022-06-16. Review status: criteria provided, single submitter. Criteria: Ambry Variant Classification Scheme 2023. Collection method: clinical testing. Allele origin: germline.
Comment: The p.M649T variant (also known as c.1946T>C), located in coding exon 13 of the NBN gene, results from a T to C substitution at nucleotide position 1946. The methionine at codon 649 is replaced by threonine, an amino acid with similar properties. This amino acid position is poorly conserved in available vertebrate species. In addition, this alteration is predicted to be tolerated by in silico analysis. Since supporting evidence is limited at this time, the clinical significance of this alteration remains unclear.

Genome-Nilou Lab
Classification: Uncertain significance for Microcephaly, normal intelligence and immunodeficiency. Last evaluated: 2021-11-07. Review status: criteria provided, single submitter. Criteria: ACMG Guidelines, 2015. Collection method: clinical testing. Allele origin: germline. Affected: no.

CSER _CC_NCGL, University of Washington
Classification: Uncertain significance for Breast cancer. Last evaluated: 2016-10-01. Review status: criteria provided, single submitter. Criteria: Amendola et al. (Genome Res. 2015). Collection method: research. Allele origin: germline. Affected: no. Study: CSER - NEXT Medicine variant annotation.
Comment: This interpretation considers GERP score and allele frequency data, in addition to published reports of the variant in the literature, available at the time of review.

NM_002485.5(NBN):c.1946T>C (p.Met649Thr)

Gene: NBN (nibrin; minus strand). Cytogenetic location: 8q21.3.
Variant type: single nucleotide variant.
Coding change: c.1946T>C on transcript NM_002485.5 (MANE Select); coding-DNA position 1946, T replaced by C.
Protein change: p.Met649Thr; replaces methionine 649 with threonine.
Molecular consequence: missense variant.
Genome position (GRCh38, 1-based): chr8:89,946,264, A>G on the plus strand (T>C on the coding strand, the complement: NBN is on the minus strand). VCF-style: chr8-89946264-A-G. GRCh37 (hg19) VCF-style: chr8-90958492-A-G.
Other names: c.1700T>C, p.Met567Thr (NM_001024688.3); short protein forms M649T, M567T.
Identifiers: ClinVar variation 496667 (VCV000496667.16), dbSNP rs1554556582, ClinGen allele CA371676695.